The following is an entry in ClinVar:

ClinVar aggregate classification (germline): Uncertain significance. Review status: criteria provided, multiple submitters, no conflicts (2 of 4 stars). 2 submissions from 2 submitters: Uncertain significance (2). Last evaluated 2025-08-09.

Conditions:
Hereditary cancer-predisposing syndrome. Also called: Neoplastic Syndromes, Hereditary; Hereditary neoplastic syndrome; Hereditary Cancer Syndrome; Tumor predisposition. Identifiers: Orphanet 140162, MedGen C0027672, MeSH D009386, MONDO:0015356.
Cardiovascular phenotype. Identifiers: MedGen CN230736.

Allele frequency attached by ClinVar (database versions not stated): gnomAD exomes below 0.00001.
gnomAD v4.1: 3 of 1,613,380 alleles (0.00019%); highest among the groups gnomAD compares: Admixed American, 0.0017%; no homozygotes.

Submissions (2):

Labcorp Genetics (formerly Invitae), Labcorp
Classification: Uncertain significance. Last evaluated: 2025-08-09. Review status: criteria provided, single submitter. Criteria: Invitae Variant Classification Sherloc (09022015). Collection method: clinical testing. Allele origin: germline.
Comment: This sequence change replaces leucine, which is neutral and non-polar, with phenylalanine, which is neutral and non-polar, at codon 620 of the LZTR1 protein (p.Leu620Phe). This variant is present in population databases (no rsID available, gnomAD 0.003%). This variant has not been reported in the literature in individuals affected with LZTR1-related conditions. ClinVar contains an entry for this variant (Variation ID: 2977584). Invitae Evidence Modeling of protein sequence and biophysical properties (such as structural, functional, and spatial information, amino acid conservation, physicochemical variation, residue mobility, and thermodynamic stability) indicates that this missense variant is not expected to disrupt LZTR1 protein function with a negative predictive value of 80%. In summary, the available evidence is currently insufficient to determine the role of this variant in disease. Therefore, it has been classified as a Variant of Uncertain Significance.

Ambry Genetics
Classification: Uncertain significance for Cardiovascular phenotype; Hereditary cancer-predisposing syndrome. Last evaluated: 2023-06-15. Review status: criteria provided, single submitter. Criteria: Ambry Variant Classification Scheme 2023. Collection method: clinical testing. Allele origin: germline.
Comment: The p.L620F variant (also known as c.1858C>T), located in coding exon 16 of the LZTR1 gene, results from a C to T substitution at nucleotide position 1858. The leucine at codon 620 is replaced by phenylalanine, an amino acid with highly similar properties. This amino acid position is conserved. In addition, this alteration is predicted to be deleterious by in silico analysis. Since supporting evidence is limited at this time, the clinical significance of this alteration remains unclear.

NM_006767.4(LZTR1):c.1858C>T (p.Leu620Phe)

Gene: LZTR1 (leucine zipper like post translational regulator 1; plus strand). Cytogenetic location: 22q11.21.
Variant type: single nucleotide variant.
Coding change: c.1858C>T on transcript NM_006767.4 (MANE Select); coding-DNA position 1858, C replaced by T.
Protein change: p.Leu620Phe; replaces leucine 620 with phenylalanine.
Molecular consequence: missense variant.
Genome position (GRCh38, 1-based): chr22:20,994,942, C>T. VCF-style: chr22-20994942-C-T. GRCh37 (hg19) VCF-style: chr22-21349231-C-T.
Other names: c.1858C>T (NM_006767.3); short protein forms L620F.
Identifiers: ClinVar variation 2977584 (VCV002977584.4), dbSNP rs1277339342, ClinGen allele CA410778611.